The following is an entry in ClinVar:

NM_001197104.2(KMT2A):c.10571C>A (p.Ser3524Tyr)

Gene: KMT2A (lysine methyltransferase 2A; plus strand). Cytogenetic location: 11q23.3.
Variant type: single nucleotide variant.
Coding change: c.10571C>A on transcript NM_001197104.2 (MANE Select); coding-DNA position 10571, C replaced by A.
Protein change: p.Ser3524Tyr; replaces serine 3524 with tyrosine.
Molecular consequence: missense variant.
Genome position (GRCh38, 1-based): chr11:118,506,463, C>A. VCF-style: chr11-118506463-C-A. GRCh37 (hg19) VCF-style: chr11-118377178-C-A.
Other names: c.10661C>A, p.Ser3554Tyr (NM_001412597.1); c.10562C>A, p.Ser3521Tyr (NM_005933.4); short protein forms S3521Y, S3524Y, S3554Y.
Identifiers: ClinVar variation 4800585 (VCV004800585.1).

ClinVar aggregate classification (germline): Uncertain significance (1 of 4 stars; one submission).

Submission:

Labcorp Genetics (formerly Invitae), Labcorp
Classification: Uncertain significance. Last evaluated: 2025-08-29. Review status: criteria provided, single submitter. Criteria: Invitae Variant Classification Sherloc (09022015). Collection method: clinical testing. Allele origin: germline.
Comment: This sequence change replaces serine, which is neutral and polar, with tyrosine, which is neutral and polar, at codon 3524 of the KMT2A protein (p.Ser3524Tyr). This variant is not present in population databases (gnomAD no frequency). This variant has not been reported in the literature in individuals affected with KMT2A-related conditions. Invitae Evidence Modeling of protein sequence and biophysical properties (such as structural, functional, and spatial information, amino acid conservation, physicochemical variation, residue mobility, and thermodynamic stability) indicates that this missense variant is not expected to disrupt KMT2A protein function with a negative predictive value of 95%. In summary, the available evidence is currently insufficient to determine the role of this variant in disease. Therefore, it has been classified as a Variant of Uncertain Significance.